The following is an entry in ClinVar:

NM_018965.4(TREM2):c.233G>A (p.Trp78Ter)

Gene: TREM2 (triggering receptor expressed on myeloid cells 2; minus strand). Cytogenetic location: 6p21.1.
Variant type: single nucleotide variant.
Coding change: c.233G>A on transcript NM_018965.4 (MANE Select); coding-DNA position 233, G replaced by A.
Protein change: p.Trp78Ter; replaces tryptophan 78 with a stop codon.
Molecular consequence: nonsense.
Genome position (GRCh38, 1-based): chr6:41,161,421, C>T on the plus strand (G>A on the coding strand, the complement: TREM2 is on the minus strand). VCF-style: chr6-41161421-C-T. GRCh37 (hg19) VCF-style: chr6-41129159-C-T.
Other names: c.233G>A, p.Trp78Ter (NM_001271821.2); short protein forms W78*.
Identifiers: ClinVar variation 5213 (VCV000005213.4), dbSNP rs104893998, ClinGen allele CA340362.

ClinVar aggregate classification (germline): Likely pathogenic. Review status: criteria provided, single submitter (1 of 4 stars). 3 submissions from 3 submitters: Likely pathogenic (1). 2 of the submissions do not count toward it. Last evaluated 2019-10-17.

Conditions:
Polycystic lipomembranous osteodysplasia with sclerosing leukoencephalopathy 2. Also called: TREM2-Related Polycystic Lipomembranous Osteodysplasia with Sclerosing Leukoencephalopathy. Identifiers: MedGen C4748657, MONDO:0020750, OMIM 618193.
Polycystic lipomembranous osteodysplasia with sclerosing leukoencephalopathy 1 (PLOSL1). Also called: TYROBP-Related Polycystic Lipomembranous Osteodysplasia with Sclerosing Leukoencephalopathy. Identifiers: Orphanet 2770, MedGen C4721893, MONDO:0020749, OMIM 221770.

Allele frequency attached by ClinVar (database versions not stated): ExAC 0.00001; 1000 Genomes Project 30x 0.00016; gnomAD 0.00001; gnomAD exomes 0.00001 and below 0.00001; 1000 Genomes Project 0.00020.

Submissions (3):

SIB Swiss Institute of Bioinformatics
Classification: Likely pathogenic for Polycystic lipomembranous osteodysplasia with sclerosing leukoencephalopathy 2. Last evaluated: 2019-10-17. Review status: criteria provided, single submitter. Criteria: ACMG Guidelines, 2015. Collection method: curation. Allele origin: unknown.
Comment: This variant is interpreted as Likely pathogenic for Polycystic lipomembranous osteodysplasia with sclerosing leukoencephalopathy 2 , autosomal recessive. The following ACMG Tag(s) were applied: PM2, PP1, PVS1-Strong.

OMIM
Classification: Pathogenic for POLYCYSTIC LIPOMEMBRANOUS OSTEODYSPLASIA WITH SCLEROSING LEUKOENCEPHALOPATHY 2. Last evaluated: 2002-09-01. Review status: no assertion criteria provided. Collection method: literature only. Allele origin: germline. Not counted in ClinVar's aggregate classification.

GeneReviews
No classification provided. Condition: Polycystic lipomembranous osteodysplasia with sclerosing leukoencephalopathy 1. Review status: no classification provided. Collection method: literature only. Allele origin: germline. Affected: yes. Not counted in ClinVar's aggregate classification.

Literature cited by the submitters: PubMed 12080485 (cited by SIB Swiss Institute of Bioinformatics and OMIM); PubMed 12925681 (cited by GeneReviews); NCBI Bookshelf NBK1197 (cited by GeneReviews).